The following is an entry in ClinVar:

ClinVar aggregate classification (germline): Uncertain significance. Review status: criteria provided, multiple submitters, no conflicts (2 of 4 stars). 2 submissions from 2 submitters: Uncertain significance (2). Last evaluated 2025-08-06.

Conditions:
Hereditary cancer-predisposing syndrome. Also called: Hereditary Cancer Syndrome; Tumor predisposition; Hereditary neoplastic syndrome; Neoplastic Syndromes, Hereditary. Identifiers: Orphanet 140162, MedGen C0027672, MeSH D009386, MONDO:0015356.
Hereditary nonpolyposis colorectal neoplasms. Identifiers: MedGen C0009405, MeSH D003123.

gnomAD v4.1: 1 of 1,614,170 alleles (0.000062%); highest among the groups gnomAD compares: Non-Finnish European, 0.000085%; no homozygotes.

Submissions (2):

Labcorp Genetics (formerly Invitae), Labcorp
Classification: Uncertain significance for Hereditary nonpolyposis colorectal neoplasms. Last evaluated: 2025-08-06. Review status: criteria provided, single submitter. Criteria: Invitae Variant Classification Sherloc (09022015). Collection method: clinical testing. Allele origin: germline.
Comment: This sequence change replaces lysine, which is basic and polar, with arginine, which is basic and polar, at codon 577 of the PMS2 protein (p.Lys577Arg). This variant is not present in population databases (gnomAD no frequency). This variant has not been reported in the literature in individuals affected with PMS2-related conditions. ClinVar contains an entry for this variant (Variation ID: 3659975). Invitae Evidence Modeling incorporating data from in vitro experimental studies (internal data) indicates that this missense variant is not expected to disrupt PMS2 function with a negative predictive value of 95%. In summary, the available evidence is currently insufficient to determine the role of this variant in disease. Therefore, it has been classified as a Variant of Uncertain Significance.

Ambry Genetics
Classification: Uncertain significance for Hereditary cancer-predisposing syndrome. Last evaluated: 2025-02-01. Review status: criteria provided, single submitter. Criteria: Ambry Variant Classification Scheme 2023. Collection method: clinical testing. Allele origin: germline.
Comment: The p.K577R variant (also known as c.1730A>G), located in coding exon 11 of the PMS2 gene, results from an A to G substitution at nucleotide position 1730. The lysine at codon 577 is replaced by arginine, an amino acid with highly similar properties. This amino acid position is conserved. In addition, this alteration is predicted to be tolerated by in silico analysis. Based on the available evidence, the clinical significance of this variant remains unclear.

NM_000535.7(PMS2):c.1730A>G (p.Lys577Arg)

Gene: PMS2 (PMS1 homolog 2, mismatch repair system component; minus strand). Cytogenetic location: 7p22.1.
Variant type: single nucleotide variant.
Coding change: c.1730A>G on transcript NM_000535.7 (MANE Select); coding-DNA position 1730, A replaced by G.
Protein change: p.Lys577Arg; replaces lysine 577 with arginine.
Molecular consequence: missense variant. On other transcripts: non-coding transcript variant (1), intron variant (1).
Genome position (GRCh38, 1-based): chr7:5,987,035, T>C on the plus strand (A>G on the coding strand, the complement: PMS2 is on the minus strand). VCF-style: chr7-5987035-T-C. GRCh37 (hg19) VCF-style: chr7-6026666-T-C.
Other names: c.1325A>G, p.Lys442Arg (NM_001322003.2, NM_001322004.2, NM_001322005.2 and 16 more transcripts); c.1574A>G, p.Lys525Arg (NM_001322006.2, NM_001406870.1); c.1412A>G, p.Lys471Arg (NM_001322007.2, NM_001322008.2, NM_001406876.1 and 2 more transcripts); c.1169A>G, p.Lys390Arg (NM_001322010.2, NM_001406906.1, NM_001406907.1); c.797A>G, p.Lys266Arg (NM_001322011.2, NM_001322012.2); c.1157A>G, p.Lys386Arg (NM_001322013.2, NM_001406909.1); c.1730A>G, p.Lys577Arg (NM_001322014.2, NM_001406871.1, NM_001406872.1); c.1421A>G, p.Lys474Arg (NM_001322015.2, NM_001406875.1, NM_001406877.1 and 5 more transcripts); and 13 more; short protein forms K390R, K419R, K465R, K474R, K521R, K585R, K639R, K320R.
Identifiers: ClinVar variation 3659975 (VCV003659975.3).